The following is an entry in ClinVar:

ClinVar aggregate classification (germline): Uncertain significance. Review status: criteria provided, multiple submitters, no conflicts (2 of 4 stars). 4 submissions from 4 submitters: Uncertain significance (4). Last evaluated 2025-03-11.

Conditions:
Hereditary cancer-predisposing syndrome. Also called: Neoplastic Syndromes, Hereditary; Tumor predisposition; Hereditary neoplastic syndrome; Hereditary Cancer Syndrome. Identifiers: Orphanet 140162, MedGen C0027672, MeSH D009386, MONDO:0015356.
Familial adenomatous polyposis 1 (FAP1). Also called: FAMILIAL ADENOMATOUS POLYPOSIS 1, ATTENUATED; POLYPOSIS, ADENOMATOUS INTESTINAL. Identifiers: MedGen C2713442, MONDO:0021056, OMIM 175100. Disease mechanism: loss of function.

Allele frequency attached by ClinVar (database versions not stated): gnomAD exomes below 0.00001.

Submissions (4):

Ambry Genetics
Classification: Uncertain significance for Hereditary cancer-predisposing syndrome. Last evaluated: 2025-03-11. Review status: criteria provided, single submitter. Criteria: Ambry Variant Classification Scheme 2023. Collection method: clinical testing. Allele origin: germline.
Comment: The p.R1803T variant (also known as c.5408G>C), located in coding exon 15 of the APC gene, results from a G to C substitution at nucleotide position 5408. The arginine at codon 1803 is replaced by threonine, an amino acid with similar properties. This amino acid position is not well conserved in available vertebrate species. In addition, in silico predictors for this gene do not accurately predict pathogenicity. Missense alterations in APC are not a common cause of disease (Spier I et al. Genet Med. 2024 Feb;26(2):100992). Based on the available evidence, the clinical significance of this variant remains unclear.

Labcorp Genetics (formerly Invitae), Labcorp
Classification: Uncertain significance for Familial adenomatous polyposis 1. Last evaluated: 2023-12-06. Review status: criteria provided, single submitter. Criteria: Invitae Variant Classification Sherloc (09022015). Collection method: clinical testing. Allele origin: germline.
Comment: This sequence change replaces arginine, which is basic and polar, with threonine, which is neutral and polar, at codon 1803 of the APC protein (p.Arg1803Thr). This variant is present in population databases (no rsID available, gnomAD 0.0009%). This variant has not been reported in the literature in individuals affected with APC-related conditions. ClinVar contains an entry for this variant (Variation ID: 581396). Advanced modeling of protein sequence and biophysical properties (such as structural, functional, and spatial information, amino acid conservation, physicochemical variation, residue mobility, and thermodynamic stability) performed at Invitae indicates that this missense variant is not expected to disrupt APC protein function with a negative predictive value of 95%. In summary, the available evidence is currently insufficient to determine the role of this variant in disease. Therefore, it has been classified as a Variant of Uncertain Significance.

Color Diagnostics, LLC DBA Color Health
Classification: Uncertain significance for Hereditary cancer-predisposing syndrome. Last evaluated: 2023-12-05. Review status: criteria provided, single submitter. Criteria: ACMG Guidelines, 2015. Collection method: clinical testing. Allele origin: germline.
Comment: This missense variant replaces arginine with threonine at codon 1803 of the APC protein. Computational prediction suggests that this variant may not impact protein structure and function (internally defined REVEL score threshold <= 0.5, PMID: 27666373). To our knowledge, functional studies have not been reported for this variant. This variant has not been reported in individuals affected with APC-related disorders in the literature. This variant has been identified in 1/249480 chromosomes in the general population by the Genome Aggregation Database (gnomAD). The available evidence is insufficient to determine the role of this variant in disease conclusively. Therefore, this variant is classified as a Variant of Uncertain Significance.

Baylor Genetics
Classification: Uncertain significance for Familial adenomatous polyposis 1. Last evaluated: 2023-07-06. Review status: criteria provided, single submitter. Criteria: ACMG Guidelines, 2015. Collection method: clinical testing. Allele origin: unknown.

NM_000038.6(APC):c.5408G>C (p.Arg1803Thr)

Gene: APC (APC regulator of Wnt signaling pathway; plus strand). Cytogenetic location: 5q22.2.
Variant type: single nucleotide variant.
Coding change: c.5408G>C on transcript NM_000038.6 (MANE Select); coding-DNA position 5408, G replaced by C.
Protein change: p.Arg1803Thr; replaces arginine 1803 with threonine.
Molecular consequence: missense variant.
Genome position (GRCh38, 1-based): chr5:112,841,002, G>C. VCF-style: chr5-112841002-G-C. GRCh37 (hg19) VCF-style: chr5-112176699-G-C.
Other names: c.5408G>C, p.Arg1803Thr (NM_001127510.3, NM_001354895.2); c.5354G>C, p.Arg1785Thr (NM_001127511.3); c.5462G>C, p.Arg1821Thr (NM_001354896.2); c.5438G>C, p.Arg1813Thr (NM_001354897.2); c.5333G>C, p.Arg1778Thr (NM_001354898.2); c.5324G>C, p.Arg1775Thr (NM_001354899.2); c.5285G>C, p.Arg1762Thr (NM_001354900.2); c.5231G>C, p.Arg1744Thr (NM_001354901.2); and 5 more; short protein forms R1785T, R1803T, R1643T, R1762T, R1775T, R1778T, R1712T, R1744T.
Identifiers: ClinVar variation 581396 (VCV000581396.21), dbSNP rs1454330915, ClinGen allele CA16033152.